The following is an entry in ClinVar:

NM_001379500.1(COL18A1):c.1615C>T (p.Pro539Ser)

Gene: COL18A1 (collagen type XVIII alpha 1 chain; plus strand). Cytogenetic location: 21q22.3.
Variant type: single nucleotide variant.
Coding change: c.1615C>T on transcript NM_001379500.1 (MANE Select); coding-DNA position 1615, C replaced by T.
Protein change: p.Pro539Ser; replaces proline 539 with serine.
Molecular consequence: missense variant.
Genome position (GRCh38, 1-based): chr21:45,481,966, C>T. VCF-style: chr21-45481966-C-T. GRCh37 (hg19) VCF-style: chr21-46901880-C-T.
Other names: NM_130445.2:c.1615C>T; c.2155C>T, p.Pro719Ser (NM_030582.4); c.2860C>T, p.Pro954Ser (NM_130444.3); c.2155C>T (NM_030582.3); short protein forms P539S, P719S, P954S.
Identifiers: ClinVar variation 1407867 (VCV001407867.7), dbSNP rs375417533, ClinGen allele CA10066427.

ClinVar aggregate classification (germline): Uncertain significance. Review status: criteria provided, multiple submitters, no conflicts (2 of 4 stars). 4 submissions from 4 submitters: Uncertain significance (3). 1 of the submissions does not count toward it. Last evaluated 2024-06-24.

Conditions:
COL18A1-related disorder. Also called: COL18A1-related disorders; COL18A1-related condition.
Inborn genetic diseases. Identifiers: MedGen C0950123, MeSH D030342.

Allele frequency attached by ClinVar (database versions not stated): gnomAD exomes 0.00002 and 0.00004; ExAC 0.00003; 1000 Genomes Project 30x 0.00016; ESP Exome Variant Server 0.00017; 1000 Genomes Project 0.00020; gnomAD 0.00020 and 0.00023; TOPMed 0.00022.
gnomAD v4.1: 60 of 1,611,070 alleles (0.0037%); highest among the groups gnomAD compares: African/African-American, 0.073%; no homozygotes.

Submissions (4):

Blueprint Genetics
Classification: Uncertain significance. Last evaluated: 2024-06-24. Review status: criteria provided, single submitter. Criteria: ACMG Guidelines, 2015. Collection method: clinical testing. Allele origin: germline.

Ambry Genetics
Classification: Uncertain significance for Inborn genetic diseases. Last evaluated: 2023-12-20. Review status: criteria provided, single submitter. Criteria: Ambry Variant Classification Scheme 2023. Collection method: clinical testing. Allele origin: germline.

Labcorp Genetics (formerly Invitae), Labcorp
Classification: Uncertain significance. Last evaluated: 2022-09-06. Review status: criteria provided, single submitter. Criteria: Invitae Variant Classification Sherloc (09022015). Collection method: clinical testing. Allele origin: germline.
Comment: This sequence change replaces proline, which is neutral and non-polar, with serine, which is neutral and polar, at codon 539 of the COL18A1 protein (p.Pro539Ser). This variant is present in population databases (rs375417533, gnomAD 0.08%). This variant has not been reported in the literature in individuals affected with COL18A1-related conditions. ClinVar contains an entry for this variant (Variation ID: 1407867). Experimental studies and prediction algorithms are not available or were not evaluated, and the functional significance of this variant is currently unknown. In summary, the available evidence is currently insufficient to determine the role of this variant in disease. Therefore, it has been classified as a Variant of Uncertain Significance.

PreventionGenetics, part of Exact Sciences
Classification: Uncertain significance for COL18A1-related condition. Last evaluated: 2024-09-19. Review status: no assertion criteria provided. Collection method: clinical testing. Allele origin: germline. Not counted in ClinVar's aggregate classification.
Comment: The COL18A1 c.2155C>T variant is predicted to result in the amino acid substitution p.Pro719Ser. To our knowledge, this variant has not been reported in the literature. This variant is reported in 0.075% of alleles in individuals of African descent in gnomAD. Although we suspect that this variant may be benign, at this time, the clinical significance of this variant is uncertain due to the absence of conclusive functional and genetic evidence.